The following is an entry in ClinVar:

ClinVar aggregate classification (germline): Uncertain significance (1 of 4 stars; one submission).

Conditions:
Autoimmune lymphoproliferative syndrome, type III caused by mutation in PRKCD. Identifiers: Orphanet 3261, Orphanet 664711, MedGen C3809928, MONDO:8000024, OMIM 615559.

Submission:

Labcorp Genetics (formerly Invitae), Labcorp
Classification: Uncertain significance for Autoimmune lymphoproliferative syndrome, type III caused by mutation in PRKCD. Last evaluated: 2024-06-13. Review status: criteria provided, single submitter. Criteria: Invitae Variant Classification Sherloc (09022015). Collection method: clinical testing. Allele origin: germline.
Comment: This sequence change falls in intron 3 of the PRKCD gene. It does not directly change the encoded amino acid sequence of the PRKCD protein. Information on the frequency of this variant in the gnomAD database is not available, as this variant may be reported differently in the database. This variant has not been reported in the literature in individuals affected with PRKCD-related conditions. Experimental studies and prediction algorithms are not available or were not evaluated, and the effect of this variant on mRNA splicing is currently unknown. In summary, the available evidence is currently insufficient to determine the role of this variant in disease. Therefore, it has been classified as a Variant of Uncertain Significance.

NM_006254.4(PRKCD):c.115+20_115+21delinsTG

Gene: PRKCD (protein kinase C delta; plus strand). Cytogenetic location: 3p21.1.
Variant type: Indel.
Coding change: c.115+20_115+21delinsTG on transcript NM_006254.4 (MANE Select); bases 20 to 21 of the intron after coding-DNA position 115, CC replaced by TG.
Molecular consequence: intron variant.
Genome position (GRCh38, 1-based): chr3:53,178,557-53,178,558, CC replaced by TG. VCF-style: chr3-53178557-CC-TG. GRCh37 (hg19) VCF-style: chr3-53212573-CC-TG.
Other names: c.115+20_115+21delinsTG (NM_001354680.2, NM_001354679.2, NM_212539.2 and 1 more transcripts); c.172+20_172+21delinsTG (NM_001354676.2); c.163+20_163+21delinsTG (NM_001354678.2).
Identifiers: ClinVar variation 3714583 (VCV003714583.2).